The following is an entry in ClinVar:

ClinVar aggregate classification (germline): Likely pathogenic (1 of 4 stars; one submission).

Conditions:
Epidermolysis bullosa dystrophica. Also called: Dystrophic epidermolysis bullosa, Hallopeau-Siemens type (formerly); Dystrophic epidermolysis bullosa. Identifiers: Orphanet 303, MedGen C0079294, MONDO:0006543.

Submission:

Natera, Inc.
Classification: Likely pathogenic for Dystrophic epidermolysis bullosa. Last evaluated: 2025-10-09. Review status: criteria provided, single submitter. Criteria: Natera Variant Classification Schema (03/2026). Collection method: clinical testing. Allele origin: germline.
Comment: The c.5773-1G>A variant in COL7A1 is a canonical splice acceptor site variant predicted to affect pre-mRNA splicing, which may result in an abnormal transcript and altered protein product. This variant may result in a truncated or dysfunctional protein product. This variant is rare in the general population with a frequency below the threshold expected for the associated phenotype(s). Another variant at this same site results in an alteration predicted to cause a similar molecular effect has been observed in individual(s) with the associated phenotype. Given the available evidence, this variant is classified as Likely Pathogenic.

NM_000094.4(COL7A1):c.5773-1G>A

Gene: COL7A1 (collagen type VII alpha 1 chain; minus strand). Cytogenetic location: 3p21.31.
Variant type: single nucleotide variant.
Coding change: c.5773-1G>A on transcript NM_000094.4 (MANE Select); the canonical splice acceptor site of the intron before coding-DNA position 5773, G replaced by A.
Molecular consequence: splice acceptor variant.
Genome position (GRCh38, 1-based): chr3:48,576,297, C>T on the plus strand (G>A on the coding strand, the complement: COL7A1 is on the minus strand). VCF-style: chr3-48576297-C-T. GRCh37 (hg19) VCF-style: chr3-48613730-C-T.
Identifiers: ClinVar variation 4817387 (VCV004817387.1).